The following is an entry in ClinVar:

ClinVar aggregate classification (germline): Uncertain significance (1 of 4 stars; one submission).

Submission:

Labcorp Genetics (formerly Invitae), Labcorp
Classification: Uncertain significance. Last evaluated: 2023-06-27. Review status: criteria provided, single submitter. Criteria: Invitae Variant Classification Sherloc (09022015). Collection method: clinical testing. Allele origin: germline.
Comment: This variant has not been reported in the literature in individuals affected with XPR1-related conditions. This sequence change replaces glutamic acid, which is acidic and polar, with lysine, which is basic and polar, at codon 44 of the XPR1 protein (p.Glu44Lys). This variant is not present in population databases (gnomAD no frequency). An algorithm developed to predict the effect of missense changes on protein structure and function (PolyPhen-2) suggests that this variant is likely to be tolerated. In summary, the available evidence is currently insufficient to determine the role of this variant in disease. Therefore, it has been classified as a Variant of Uncertain Significance.

NM_004736.4(XPR1):c.130G>A (p.Glu44Lys)

Gene: XPR1 (xenotropic and polytropic retrovirus receptor 1; plus strand). Cytogenetic location: 1q25.3.
Variant type: single nucleotide variant.
Coding change: c.130G>A on transcript NM_004736.4 (MANE Select); coding-DNA position 130, G replaced by A.
Protein change: p.Glu44Lys; replaces glutamic acid 44 with lysine.
Molecular consequence: missense variant. On other transcripts: non-coding transcript variant (1).
Genome position (GRCh38, 1-based): chr1:180,787,761, G>A. VCF-style: chr1-180787761-G-A. GRCh37 (hg19) VCF-style: chr1-180756897-G-A.
Other names: c.130G>A, p.Glu44Lys (NM_001135669.2, NM_001328662.2); short protein forms E44K.
Identifiers: ClinVar variation 2730919 (VCV002730919.3), dbSNP rs1295269698, ClinGen allele CA343841658.
Genomic context (GRCh38, chr1:180,787,761, plus strand): 5'-TCTCAATTGGCCTTTGGACATTAAATTTAAATATTGTTTTCCTGTCTTTCAGTTACAGAT[G>A]AGGACACAGTAAAGAGGTATTTTGCCAAGTTTGAAGAGAAGTTTTTCCAAACCTGTGAAA-3'
Protein context (NP_004727.2, residues 34-54): DQAPSVEVTD[Glu44Lys]DTVKRYFAKF